The following is an entry in ClinVar:

NM_003356.4(UCP3):c.932C>T (p.Pro311Leu)

Gene: UCP3 (uncoupling protein 3; minus strand). Cytogenetic location: 11q13.4.
Variant type: single nucleotide variant.
Coding change: c.932C>T on transcript NM_003356.4 (MANE Select); coding-DNA position 932, C replaced by T.
Protein change: p.Pro311Leu; replaces proline 311 with leucine.
Molecular consequence: missense variant.
Genome position (GRCh38, 1-based): chr11:74,001,419, G>A on the plus strand (C>T on the coding strand, the complement: UCP3 is on the minus strand). VCF-style: chr11-74001419-G-A. GRCh37 (hg19) VCF-style: chr11-73712464-G-A.
Other names: short protein forms P311L.
Identifiers: ClinVar variation 4978258 (VCV004978258.1).
Genomic context (GRCh38, chr11:74,001,419, plus strand): 5'-CCATTCTTAACTGGTTTCGGACACGTTAGCTACCAGTGGCCTTCTTGTCTTGTTCAAAAC[G>A]GTGATTCCCGTAACATCTGGACTTTCATCAGGGCCCGTTTCAGCTGCTCATAGGTTACGA-3'
Protein context (NP_003347.1, residues 301-312): LMKVQMLRES[Pro311Leu]F

ClinVar aggregate classification (germline): Uncertain significance (1 of 4 stars; one submission).

Conditions:
UCP3-related disorder. Also called: UCP3-related condition.

gnomAD v4.1: 18 of 1,614,110 alleles (0.0011%); highest among the groups gnomAD compares: East Asian, 0.016%; no homozygotes.

Submission:

PreventionGenetics, part of Exact Sciences
Classification: Uncertain significance for UCP3-related condition. Last evaluated: 2024-12-10. Review status: criteria provided, single submitter. Criteria: ACMG Guidelines, 2015. Collection method: clinical testing. Allele origin: germline.
Comment: The UCP3 c.932C>T variant is predicted to result in the amino acid substitution p.Pro311Leu. To our knowledge, this variant has not been reported in the literature. This variant is reported in 0.045% of alleles in individuals of East Asian descent in gnomAD. At this time, the clinical significance of this variant is uncertain due to the absence of conclusive functional and genetic evidence.